The following is an entry in ClinVar:

ClinVar aggregate classification (germline): Uncertain significance (1 of 4 stars; one submission).

Conditions:
Severe combined immunodeficiency due to DNA-PKcs deficiency. Also called: Immunodeficiency 26 with or without neurologic abnormalities; IMMUNODEFICIENCY 26 WITH NEUROLOGIC ABNORMALITIES. Identifiers: Orphanet 317425, MedGen C4014833, MONDO:0014423, OMIM 615966.

Submission:

Labcorp Genetics (formerly Invitae), Labcorp
Classification: Uncertain significance for Severe combined immunodeficiency due to DNA-PKcs deficiency. Last evaluated: 2022-07-06. Review status: criteria provided, single submitter. Criteria: Invitae Variant Classification Sherloc (09022015). Collection method: clinical testing. Allele origin: germline.
Comment: In summary, the available evidence is currently insufficient to determine the role of this variant in disease. Therefore, it has been classified as a Variant of Uncertain Significance. Variants that disrupt the consensus splice site are a relatively common cause of aberrant splicing (PMID: 17576681, 9536098). Algorithms developed to predict the effect of sequence changes on RNA splicing suggest that this variant may disrupt the consensus splice site. ClinVar contains an entry for this variant (Variation ID: 1470360). This variant has not been reported in the literature in individuals affected with PRKDC-related conditions. This variant is not present in population databases (gnomAD no frequency). This sequence change falls in intron 30 of the PRKDC gene. It does not directly change the encoded amino acid sequence of the PRKDC protein. It affects a nucleotide within the consensus splice site.

Literature cited by the submitters: PubMed 17576681; PubMed 9536098.

NM_006904.7(PRKDC):c.3598+5G>A

Gene: PRKDC (protein kinase, DNA-activated, catalytic subunit; minus strand). Cytogenetic location: 8q11.21.
Variant type: single nucleotide variant.
Coding change: c.3598+5G>A on transcript NM_006904.7 (MANE Select); 5 bases into the intron after coding-DNA position 3598, G replaced by A.
Molecular consequence: intron variant.
Genome position (GRCh38, 1-based): chr8:47,897,156, C>T on the plus strand (G>A on the coding strand, the complement: PRKDC is on the minus strand). VCF-style: chr8-47897156-C-T. GRCh37 (hg19) VCF-style: chr8-48809716-C-T.
Other names: c.3598+5G>A (NM_001081640.2).
Identifiers: ClinVar variation 1470360 (VCV001470360.6), dbSNP rs2154502116, ClinGen allele CA2573143150.